The following is an entry in ClinVar:

ClinVar aggregate classification (germline): Uncertain significance (1 of 4 stars; one submission).

Conditions:
Left ventricular noncompaction 8 (LVNC8). Identifiers: Orphanet 154, Orphanet 54260, MedGen C3809288, MONDO:0014152, OMIM 615373.

Allele frequency attached by ClinVar (database versions not stated): gnomAD exomes 0.00001 and 0.00003; ExAC 0.00005; TOPMed 0.00005; 1000 Genomes Project 30x 0.00016; 1000 Genomes Project 0.00020.
gnomAD v4.1: 13 of 1,613,796 alleles (0.00081%); highest among the groups gnomAD compares: East Asian, 0.027%; no homozygotes.

Submission:

Labcorp Genetics (formerly Invitae), Labcorp
Classification: Uncertain significance for Left ventricular noncompaction 8. Last evaluated: 2025-02-20. Review status: criteria provided, single submitter. Criteria: Invitae Variant Classification Sherloc (09022015). Collection method: clinical testing. Allele origin: germline.
Comment: This sequence change replaces serine, which is neutral and polar, with threonine, which is neutral and polar, at codon 1071 of the PRDM16 protein (p.Ser1071Thr). This variant is present in population databases (rs561896892, gnomAD 0.06%). This variant has not been reported in the literature in individuals affected with PRDM16-related conditions. ClinVar contains an entry for this variant (Variation ID: 663603). An algorithm developed to predict the effect of missense changes on protein structure and function (PolyPhen-2) suggests that this variant is likely to be disruptive. In summary, the available evidence is currently insufficient to determine the role of this variant in disease. Therefore, it has been classified as a Variant of Uncertain Significance.

NM_022114.4(PRDM16):c.3211T>A (p.Ser1071Thr)

Gene: PRDM16 (PR/SET domain 16; plus strand). Cytogenetic location: 1p36.32.
Variant type: single nucleotide variant.
Coding change: c.3211T>A on transcript NM_022114.4 (MANE Select); coding-DNA position 3211, T replaced by A.
Protein change: p.Ser1071Thr; replaces serine 1071 with threonine.
Molecular consequence: missense variant.
Genome position (GRCh38, 1-based): chr1:3,426,152, T>A. VCF-style: chr1-3426152-T-A. GRCh37 (hg19) VCF-style: chr1-3342716-T-A.
Other names: c.3211T>A, p.Ser1071Thr (NM_199454.3); short protein forms S1071T.
Identifiers: ClinVar variation 663603 (VCV000663603.9), dbSNP rs561896892, ClinGen allele CA544775.